The following is an entry in ClinVar:

ClinVar aggregate classification (germline): Uncertain significance (1 of 4 stars; one submission).

gnomAD v4.1: 21 of 1,611,318 alleles (0.0013%); highest among the groups gnomAD compares: Admixed American, 0.017%; no homozygotes.

Submission:

Ambry Genetics
Classification: Uncertain significance. Last evaluated: 2024-12-20. Review status: criteria provided, single submitter. Criteria: Ambry Variant Classification Scheme 2023. Collection method: clinical testing. Allele origin: germline.
Comment: The p.L854F variant (also known as c.2562G>C), located in coding exon 11 of the WNK2 gene, results from a G to C substitution at nucleotide position 2562. The leucine at codon 854 is replaced by phenylalanine, an amino acid with highly similar properties. This amino acid position is conserved. In addition, this alteration is predicted to be tolerated by in silico analysis. Based on the available evidence, the clinical significance of this variant remains unclear.

NM_006648.4(WNK2):c.2562G>C (p.Leu854Phe)

Gene: WNK2 (WNK lysine deficient protein kinase 2; plus strand). Cytogenetic location: 9q22.31.
Variant type: single nucleotide variant.
Coding change: c.2562G>C on transcript NM_006648.4 (MANE Select); coding-DNA position 2562, G replaced by C.
Protein change: p.Leu854Phe; replaces leucine 854 with phenylalanine.
Molecular consequence: missense variant.
Genome position (GRCh38, 1-based): chr9:93,259,110, G>C. VCF-style: chr9-93259110-G-C. GRCh37 (hg19) VCF-style: chr9-96021392-G-C.
Other names: c.2562G>C, p.Leu854Phe (NM_001282394.3); short protein forms L854F.
Identifiers: ClinVar variation 2346109 (VCV002346109.3), dbSNP rs781211295, ClinGen allele CA5129677.
Genomic context (GRCh38, chr9:93,259,110, plus strand): 5'-CTCTCCAGCCGTGATCTTGCCGAGCCTCGCTGCCCCACTCCCCCCTGCGTCCCCAGCCTT[G>C]CCTCTGCAGGCTGTGAAGCTGCCCCACCCCCCTGGGGCGCCCCTGGCCATGCCCTGCCGG-3'
Protein context (NP_006639.3, residues 844-864): AAPLPPASPA[Leu854Phe]PLQAVKLPHP